The following is an entry in ClinVar:

NM_018100.4(EFHC1):c.1546A>C (p.Met516Leu)

Gene: EFHC1 (EF-hand domain containing 1; plus strand). Cytogenetic location: 6p12.2.
Variant type: single nucleotide variant.
Coding change: c.1546A>C on transcript NM_018100.4 (MANE Select); coding-DNA position 1546, A replaced by C.
Protein change: p.Met516Leu; replaces methionine 516 with leucine.
Molecular consequence: missense variant. On other transcripts: non-coding transcript variant (1).
Genome position (GRCh38, 1-based): chr6:52,479,693, A>C. VCF-style: chr6-52479693-A-C. GRCh37 (hg19) VCF-style: chr6-52344491-A-C.
Other names: c.1489A>C, p.Met497Leu (NM_001172420.2); short protein forms M516L, M497L.
Identifiers: ClinVar variation 946011 (VCV000946011.11), dbSNP rs768684304, ClinGen allele CA3856119.

ClinVar aggregate classification (germline): Uncertain significance (1 of 4 stars; one submission).

Conditions:
Myoclonic epilepsy, juvenile, susceptibility to, 1. Also called: Myoclonic Epilepsy, Juvenile, 1; EJM1. Identifiers: MedGen C1850778, MONDO:0020752, OMIM 254770.
Absence seizure. Also called: Absence epilepsy. Identifiers: Orphanet 1941, MedGen C0014553.

Allele frequency attached by ClinVar (database versions not stated): gnomAD exomes below 0.00001; TOPMed below 0.00001; ExAC 0.00001.
gnomAD v4.1: 3 of 1,614,218 alleles (0.00019%); highest among the groups gnomAD compares: Admixed American, 0.0017%; no homozygotes.

Submission:

Labcorp Genetics (formerly Invitae), Labcorp
Classification: Uncertain significance for Myoclonic epilepsy, juvenile, susceptibility to, 1; Absence seizure. Last evaluated: 2020-03-04. Review status: criteria provided, single submitter. Criteria: Invitae Variant Classification Sherloc (09022015). Collection method: clinical testing. Allele origin: germline.
Comment: In summary, the available evidence is currently insufficient to determine the role of this variant in disease. Therefore, it has been classified as a Variant of Uncertain Significance. Algorithms developed to predict the effect of missense changes on protein structure and function output the following: SIFT: "Tolerated"; PolyPhen-2: "Benign"; Align-GVGD: "Class C0". The leucine amino acid residue is found in multiple mammalian species, suggesting that this missense change does not adversely affect protein function. These predictions have not been confirmed by published functional studies and their clinical significance is uncertain. This variant has not been reported in the literature in individuals with EFHC1-related conditions. This variant is present in population databases (rs768684304, ExAC 0.009%). This sequence change replaces methionine with leucine at codon 516 of the EFHC1 protein (p.Met516Leu). The methionine residue is moderately conserved and there is a small physicochemical difference between methionine and leucine.